The following is an entry in ClinVar:

ClinVar aggregate classification (germline): Conflicting classifications of pathogenicity. Review status: criteria provided, conflicting classifications (1 of 4 stars). 15 submissions from 11 submitters: Uncertain significance (4); Benign (4); Likely benign (4). 3 of the submissions do not count toward it. Last evaluated 2026-03-10.

Conditions:
Cardiovascular phenotype. Identifiers: MedGen CN230736.
TTN-related disorder. Also called: TTN-related condition; TTN-related disease; TTN-related disorders.
Autosomal recessive limb-girdle muscular dystrophy type 2J (LGMDR10). Also called: MUSCULAR DYSTROPHY, LIMB-GIRDLE, AUTOSOMAL RECESSIVE 10; Limb-girdle muscular dystrophy, type 2J. Identifiers: Orphanet 140922, MedGen C1837342, MONDO:0012127, OMIM 608807.
Dilated cardiomyopathy 1G (CMD1G). Identifiers: Orphanet 154, MedGen C1858763, MONDO:0011400, OMIM 604145.
Cardiomyopathy (CMYO). Also called: Cardiomyopathies. Identifiers: Orphanet 167848, MedGen C0878544, MONDO:0004994, HP:0001638. Inheritance: Various modes of inheritance.
Myopathy, myofibrillar, 9, with early respiratory failure (MFM9). Also called: Myopathy, distal, with early respiratory failure, autosomal dominant; EDSTROM MYOPATHY; MYOPATHY, PROXIMAL, WITH EARLY RESPIRATORY MUSCLE INVOLVEMENT; Hereditary myopathy with early respiratory failure. Identifiers: Orphanet 178464, Orphanet 34521, MedGen C1863599, MONDO:0011362, OMIM 603689.
Early-onset myopathy with fatal cardiomyopathy (CMYO5). Also called: CONGENITAL MYOPATHY 5 WITH CARDIOMYOPATHY; Salih Myopathy. Identifiers: Orphanet 289377, MedGen C2673677, MONDO:0012714, OMIM 611705. Disease mechanism: loss of function.
Tibial muscular dystrophy (TMD). Also called: Tibial muscular dystrophy, tardive; UDD MYOPATHY; Udd Distal Myopathy – Tibial Muscular Dystrophy. Identifiers: Orphanet 609, MedGen C1838244, MONDO:0010870, OMIM 600334.

Allele frequency attached by ClinVar (database versions not stated): gnomAD exomes 0.00010 and 0.00042; gnomAD 0.00014 and 0.00018; TOPMed 0.00020; ExAC 0.00039; 1000 Genomes Project 0.00100; 1000 Genomes Project 30x 0.00109.
gnomAD v4.1: 186 of 1,613,246 alleles (0.012%); highest among the groups gnomAD compares: East Asian, 0.32%; 2 homozygotes.

Submissions (15):

PreventionGenetics, part of Exact Sciences
Classification: Likely benign for TTN-related condition. Last evaluated: 2026-03-10. Review status: criteria provided, single submitter. Criteria: ACMG Guidelines, 2015. Collection method: clinical testing. Allele origin: germline.
Comment: This variant is classified as likely benign based on ACMG/AMP sequence variant interpretation guidelines (Richards et al. 2015 PMID: 25741868, with internal and published modifications).

Labcorp Genetics (formerly Invitae), Labcorp
Classification: Benign for Dilated cardiomyopathy 1G; Autosomal recessive limb-girdle muscular dystrophy type 2J. Last evaluated: 2026-02-02. Review status: criteria provided, single submitter. Criteria: Invitae Variant Classification Sherloc (09022015). Collection method: clinical testing. Allele origin: germline.

ARUP Laboratories, Molecular Genetics and Genomics, ARUP Laboratories
Classification: Likely benign. Last evaluated: 2023-11-09. Review status: criteria provided, single submitter. Criteria: ARUP Molecular Germline Variant Investigation Process 2024. Collection method: clinical testing. Allele origin: germline.

Women's Health and Genetics/Laboratory Corporation of America, LabCorp
Classification: Benign. Last evaluated: 2023-05-17. Review status: criteria provided, single submitter. Criteria: LabCorp Variant Classification Summary - May 2015. Collection method: clinical testing. Allele origin: germline.
Comment: Variant summary: TTN c.66338A>G (p.Gln22113Arg) results in a conservative amino acid change located in the A-band region of the encoded protein sequence. Three of five in-silico tools predict a benign effect of the variant on protein function. The variant allele was found at a frequency of 0.00055 in 325166 control chromosomes (gnomAD, Tadaka_GLA_NAR_2021), predominantly at a frequency of 0.0051 within the East Asian subpopulation in the gnomAD database, including 1 homozygote. The observed variant frequency within East Asian control individuals in the gnomAD database is approximately 13 fold of the estimated maximal expected allele frequency for a pathogenic variant in TTN causing Dilated Cardiomyopathy (0.00039), strongly suggesting that the variant is a benign polymorphism found primarily in populations of East Asian origin. To our knowledge, no experimental evidence demonstrating its impact on protein function have been reported. The following publication has been ascertained in the context of this evaluation (PMID: 33179747). Six ClinVar submitters have assessed the variant since 2014: two classified the variant as uncertain significance, two as likely benign, and two as benign. Based on the evidence outlined above, the variant was classified as benign.

Ambry Genetics
Classification: Likely benign for Cardiovascular phenotype. Last evaluated: 2019-05-29. Review status: criteria provided, single submitter. Criteria: Ambry Autosomal Dominant and X-Linked criteria (3/2017). Collection method: clinical testing. Allele origin: germline. Observed: 1 variant allele.
Comment: Subpopulation frequency in support of benign classification

Illumina Laboratory Services, Illumina
Classification: Benign for Tibial muscular dystrophy. Last evaluated: 2018-01-12. Review status: criteria provided, single submitter. Criteria: ICSL Variant Classification Criteria 13 December 2019. Collection method: clinical testing. Allele origin: germline.
Comment: This variant was observed in the ICSL laboratory as part of a predisposition screen in an ostensibly healthy population. It had not been previously curated by ICSL or reported in the Human Gene Mutation Database (HGMD: prior to June 1st, 2018), and was therefore a candidate for classification through an automated scoring system. Utilizing variant allele frequency, disease prevalence and penetrance estimates, and inheritance mode, an automated score was calculated to assess if this variant is too frequent to cause the disease. Based on the score and internal cut-off values, a variant classified as benign is not then subjected to further curation. The score for this variant resulted in a classification of benign for this disease.

Illumina Laboratory Services, Illumina
Classification: Uncertain significance for Early-onset myopathy with fatal cardiomyopathy. Last evaluated: 2018-01-12. Review status: criteria provided, single submitter. Criteria: ICSL Variant Classification Criteria 13 December 2019. Collection method: clinical testing. Allele origin: germline.

Illumina Laboratory Services, Illumina
Classification: Benign for Myopathy, myofibrillar, 9, with early respiratory failure. Last evaluated: 2018-01-12. Review status: criteria provided, single submitter. Criteria: ICSL Variant Classification Criteria 13 December 2019. Collection method: clinical testing. Allele origin: germline.
Comment: the same text as in the submission from Illumina Laboratory Services, Illumina above.

Illumina Laboratory Services, Illumina
Classification: Uncertain significance for Autosomal recessive limb-girdle muscular dystrophy type 2J. Last evaluated: 2018-01-12. Review status: criteria provided, single submitter. Criteria: ICSL Variant Classification Criteria 13 December 2019. Collection method: clinical testing. Allele origin: germline.

Illumina Laboratory Services, Illumina
Classification: Uncertain significance for Dilated cardiomyopathy 1G. Last evaluated: 2018-01-12. Review status: criteria provided, single submitter. Criteria: ICSL Variant Classification Criteria 13 December 2019. Collection method: clinical testing. Allele origin: germline.

GeneDx
Classification: Likely benign. Last evaluated: 2017-09-05. Review status: criteria provided, single submitter. Criteria: GeneDx Variant Classification (06012015). Collection method: clinical testing. Allele origin: germline. Affected: yes.
Comment: This variant is considered likely benign or benign based on one or more of the following criteria: it is a conservative change, it occurs at a poorly conserved position in the protein, it is predicted to be benign by multiple in silico algorithms, and/or has population frequency not consistent with disease.

CHEO Genetics Diagnostic Laboratory, Children's Hospital of Eastern Ontario
Classification: Uncertain significance for Cardiomyopathy. Last evaluated: 2015-11-05. Review status: criteria provided, single submitter. Criteria: ACMG Guidelines, 2015. Collection method: clinical testing. Allele origin: germline. Study: Canadian Open Genetics Repository.

Clinical Genetics DNA and cytogenetics Diagnostics Lab, Erasmus MC, Erasmus Medical Center
Classification: Likely benign. Review status: no assertion criteria provided. Collection method: clinical testing. Allele origin: germline. Affected: yes. Study: VKGL Data-share Consensus. Not counted in ClinVar's aggregate classification.

Clinical Genetics, Academic Medical Center
Classification: Benign. Review status: no assertion criteria provided. Collection method: clinical testing. Allele origin: germline. Affected: yes. Study: VKGL Data-share Consensus. Not counted in ClinVar's aggregate classification.

Joint Genome Diagnostic Labs from Nijmegen and Maastricht, Radboudumc and MUMC+
Classification: Likely benign. Review status: no assertion criteria provided. Collection method: clinical testing. Allele origin: germline. Affected: yes. Study: VKGL Data-share Consensus. Not counted in ClinVar's aggregate classification.

Literature cited by the submitters: PubMed 33179747 (cited by Women's Health and Genetics/Laboratory Corporation of America, LabCorp).

NM_001267550.2(TTN):c.74042A>G (p.Gln24681Arg)

Genes: TTN (titin; minus strand), TTN-AS1 (TTN antisense RNA 1; plus strand). Cytogenetic location: 2q31.2.
Variant type: single nucleotide variant.
Coding change: c.74042A>G on transcript NM_001267550.2 (MANE Select); coding-DNA position 74042, A replaced by G.
Protein change: p.Gln24681Arg; replaces glutamine 24681 with arginine.
Molecular consequence: missense variant.
Genome position (GRCh38, 1-based): chr2:178,572,090, T>C on the plus strand (A>G on the coding strand, the complement: TTN is on the minus strand). VCF-style: chr2-178572090-T-C. GRCh37 (hg19) VCF-style: chr2-179436817-T-C.
Other names: c.69119A>G, p.Gln23040Arg (NM_001256850.1); c.46847A>G, p.Gln15616Arg (NM_003319.4); c.66338A>G, p.Gln22113Arg (NM_133378.4); c.47222A>G, p.Gln15741Arg (NM_133432.3); c.47423A>G, p.Gln15808Arg (NM_133437.4); short protein forms Q22113R, Q24681R, Q23040R, Q15808R, Q15616R, Q15741R.
Identifiers: ClinVar variation 263494 (VCV000263494.30), dbSNP rs537071956, ClinGen allele CA1990272.
Genomic context (GRCh38, chr2:178,572,090, plus strand): 5'-CTAGGATCACTGATGCCCTTTTCATTCTGAGCTGAAACACGGAAAGAGTATTCTTCACCC[T>C]GAATTAATCCAGTGATAGTGGCTTCAGTGACCTTGACTGTGGCACACGTGGCCCATTTGT-3'
Protein context (NP_001254479.2, residues 24671-24691): VTEATITGLI[Gln24681Arg]GEEYSFRVSA